The following is an entry in ClinVar:

ClinVar aggregate classification (germline): Likely benign. Review status: criteria provided, multiple submitters, no conflicts (2 of 4 stars). 3 submissions from 3 submitters: Likely benign (2). 1 of the submissions does not count toward it. Last evaluated 2024-02-12.

Conditions:
LAMB1-related disorder. Also called: LAMB1-related condition.

Allele frequency attached by ClinVar (database versions not stated): TOPMed below 0.00001; gnomAD 0.00001; gnomAD exomes 0.00001 and 0.00003; ExAC 0.00004.
gnomAD v4.1: 22 of 1,613,924 alleles (0.0014%); highest among the groups gnomAD compares: Middle Eastern, 0.049%; no homozygotes.

Submissions (3):

Labcorp Genetics (formerly Invitae), Labcorp
Classification: Likely benign. Last evaluated: 2024-02-12. Review status: criteria provided, single submitter. Criteria: Invitae Variant Classification Sherloc (09022015). Collection method: clinical testing. Allele origin: germline.

Genetic Services Laboratory, University of Chicago
Classification: Likely benign. Last evaluated: 2017-01-12. Review status: criteria provided, single submitter. Criteria: ACMG Guidelines, 2015. Collection method: clinical testing. Allele origin: germline. Affected: no.

PreventionGenetics, part of Exact Sciences
Classification: Likely benign for LAMB1-related condition. Last evaluated: 2019-10-28. Review status: no assertion criteria provided. Collection method: clinical testing. Allele origin: germline. Not counted in ClinVar's aggregate classification.
Comment: This variant is classified as likely benign based on ACMG/AMP sequence variant interpretation guidelines (Richards et al. 2015 PMID: 25741868, with internal and published modifications).

NM_002291.3(LAMB1):c.1944C>T (p.Pro648=)

Gene: LAMB1 (laminin subunit beta 1; minus strand). Cytogenetic location: 7q31.1.
Variant type: single nucleotide variant.
Coding change: c.1944C>T on transcript NM_002291.3 (MANE Select); coding-DNA position 1944, C replaced by T.
Protein change: p.Pro648=; no amino-acid change (proline 648 retained).
Molecular consequence: synonymous variant.
Genome position (GRCh38, 1-based): chr7:107,961,590, G>A on the plus strand (C>T on the coding strand, the complement: LAMB1 is on the minus strand). VCF-style: chr7-107961590-G-A. GRCh37 (hg19) VCF-style: chr7-107602035-G-A.
Identifiers: ClinVar variation 435722 (VCV000435722.10), dbSNP rs751175194, ClinGen allele CA4435820.